The following is an entry in ClinVar:

ClinVar aggregate classification (germline): Pathogenic/Likely pathogenic. Review status: criteria provided, multiple submitters, no conflicts (2 of 4 stars). 3 submissions from 3 submitters: Pathogenic (1); Likely pathogenic (1). 1 of the submissions does not count toward it. Last evaluated 2023-09-25.

Conditions:
Ciliary dyskinesia, primary, 40. Also called: CILIARY DYSKINESIA, PRIMARY, 40, WITH OR WITHOUT SITUS INVERSUS. Identifiers: MedGen C4749028, MONDO:0032664, OMIM 618300.
Congenital heart disease (CHD). Identifiers: MedGen C0152021, MONDO:0005453. Disease mechanism: unknown.

Allele frequency attached by ClinVar (database versions not stated): ExAC 0.00001; gnomAD exomes 0.00001.
gnomAD v4.1: 9 of 1,611,548 alleles (0.00056%); highest among the groups gnomAD compares: South Asian, 0.0011%; no homozygotes.

Submissions (3):

Department of Pathology and Laboratory Medicine, Sinai Health System
Classification: Likely pathogenic for Ciliary dyskinesia, primary, 40. Last evaluated: 2023-09-25. Review status: criteria provided, single submitter. Criteria: ACMG Guidelines, 2015. Collection method: research. Allele origin: germline.

Labcorp Genetics (formerly Invitae), Labcorp
Classification: Pathogenic. Last evaluated: 2022-08-05. Review status: criteria provided, single submitter. Criteria: Invitae Variant Classification Sherloc (09022015). Collection method: clinical testing. Allele origin: germline.
Comment: For these reasons, this variant has been classified as Pathogenic. This variant has not been reported in the literature in individuals affected with DNAH9-related conditions. The frequency data for this variant in the population databases is considered unreliable, as metrics indicate poor data quality at this position in the gnomAD database. This sequence change creates a premature translational stop signal (p.Arg1344*) in the DNAH9 gene. It is expected to result in an absent or disrupted protein product. Loss-of-function variants in DNAH9 are known to be pathogenic (PMID: 30471718).

Istanbul Faculty of Medicine, Istanbul University
Classification: Pathogenic for Congenital heart disease. Last evaluated: 2022-01-10. Review status: no assertion criteria provided. Collection method: clinical testing. Allele origin: germline. Affected: yes. Observed: 1 variant allele. Not counted in ClinVar's aggregate classification.
Comment: Complex cardiac defects

Literature cited by the submitters: PubMed 30471718 (cited by Labcorp Genetics (formerly Invitae), Labcorp).

NM_001372.4(DNAH9):c.4030C>T (p.Arg1344Ter)

Gene: DNAH9 (dynein axonemal heavy chain 9; plus strand). Cytogenetic location: 17p12.
Variant type: single nucleotide variant.
Coding change: c.4030C>T on transcript NM_001372.4 (MANE Select); coding-DNA position 4030, C replaced by T.
Protein change: p.Arg1344Ter; replaces arginine 1344 with a stop codon.
Molecular consequence: nonsense.
Genome position (GRCh38, 1-based): chr17:11,689,852, C>T. VCF-style: chr17-11689852-C-T. GRCh37 (hg19) VCF-style: chr17-11593169-C-T.
Other names: short protein forms R1344*.
Identifiers: ClinVar variation 1911635 (VCV001911635.18), dbSNP rs760026221, ClinGen allele CA8395588.